The following is an entry in ClinVar:

NM_005422.4(TECTA):c.538C>T (p.Leu180Phe)

Genes: TBCEL-TECTA (TBCEL-TECTA readthrough; plus strand), TECTA (tectorin alpha; plus strand). Cytogenetic location: 11q23.3.
Variant type: single nucleotide variant.
Coding change: c.538C>T on transcript NM_005422.4 (MANE Select); coding-DNA position 538, C replaced by T.
Protein change: p.Leu180Phe; replaces leucine 180 with phenylalanine.
Molecular consequence: missense variant.
Genome position (GRCh38, 1-based): chr11:121,113,123, C>T. VCF-style: chr11-121113123-C-T. GRCh37 (hg19) VCF-style: chr11-120983832-C-T.
Other names: c.538C>T (NM_005422.2); c.1495C>T, p.Leu499Phe (NM_001378761.1); short protein forms L180F, L499F.
Identifiers: ClinVar variation 501371 (VCV000501371.7), dbSNP rs372723914, ClinGen allele CA6326522.

ClinVar aggregate classification (germline): Uncertain significance. Review status: criteria provided, multiple submitters, no conflicts (2 of 4 stars). 3 submissions from 3 submitters: Uncertain significance (3). Last evaluated 2025-03-21.

Conditions:
Autosomal recessive nonsyndromic hearing loss 21. Identifiers: Orphanet 90636, MedGen C1863655, MONDO:0011351, OMIM 603629.
Autosomal dominant nonsyndromic hearing loss 12. Also called: DEAFNESS, AUTOSOMAL DOMINANT 8. Identifiers: Orphanet 90635, MedGen C1832187, MONDO:0011102, OMIM 601543.

Allele frequency attached by ClinVar (database versions not stated): ExAC 0.00003; gnomAD exomes 0.00003 and 0.00004; gnomAD 0.00004 and 0.00005; TOPMed 0.00005.
gnomAD v4.1: 43 of 1,614,054 alleles (0.0027%); highest among the groups gnomAD compares: Non-Finnish European, 0.0021%; no homozygotes.

Submissions (3):

GeneDx
Classification: Uncertain significance. Last evaluated: 2025-03-21. Review status: criteria provided, single submitter. Criteria: GeneDx Variant Classification Process June 2021. Collection method: clinical testing. Allele origin: germline. Affected: yes.
Comment: In silico analysis indicates that this missense variant does not alter protein structure/function; Has not been previously published as pathogenic or benign to our knowledge

Department of Pathology and Laboratory Medicine, Sinai Health System
Classification: Uncertain significance for Autosomal dominant nonsyndromic hearing loss 12; Autosomal recessive nonsyndromic hearing loss 21. Last evaluated: 2023-09-26. Review status: criteria provided, single submitter. Criteria: ACMG Guidelines, 2015. Collection method: research. Allele origin: germline.

Eurofins Ntd Llc (ga)
Classification: Uncertain significance. Last evaluated: 2017-05-01. Review status: criteria provided, single submitter. Criteria: EGL Classification Definitions 2015. Collection method: clinical testing. Allele origin: germline. Observed: 1 variant allele, 1 heterozygote.